The following is an entry in ClinVar:

ClinVar aggregate classification (germline): Uncertain significance (1 of 4 stars; one submission).

Conditions:
Myoclonic dystonia 11 (DYT11). Also called: Myoclonic dystonia; Dystonia 11; Dystonia, alcohol responsive; Hereditary essential myoclonus; SGCE Myoclonus-Dystonia; Myoclonus-Dystonia. Identifiers: Orphanet 36899, MedGen C1834570, MONDO:0008044, OMIM 159900.

Allele frequency attached by ClinVar (database versions not stated): TOPMed 0.00001.

Submission:

Labcorp Genetics (formerly Invitae), Labcorp
Classification: Uncertain significance for Myoclonic dystonia 11. Last evaluated: 2021-02-21. Review status: criteria provided, single submitter. Criteria: Invitae Variant Classification Sherloc (09022015). Collection method: clinical testing. Allele origin: germline.
Comment: In summary, the available evidence is currently insufficient to determine the role of this variant in disease. Therefore, it has been classified as a Variant of Uncertain Significance. Algorithms developed to predict the effect of missense changes on protein structure and function are either unavailable or do not agree on the potential impact of this missense change (SIFT: "Deleterious"; PolyPhen-2: "Benign"; Align-GVGD: "Class C0"). This variant has not been reported in the literature in individuals with SGCE-related conditions. This variant is not present in population databases (ExAC no frequency). This sequence change replaces alanine with valine at codon 153 of the SGCE protein (p.Ala153Val). The alanine residue is highly conserved and there is a small physicochemical difference between alanine and valine.

NM_003919.3(SGCE):c.458C>T (p.Ala153Val)

Genes: CASD1 (CAS1 domain sialic acid O acetyltransferase 1; plus strand), SGCE (sarcoglycan epsilon; minus strand). Cytogenetic location: 7q21.3.
Variant type: single nucleotide variant.
Coding change: c.458C>T on transcript NM_003919.3 (MANE Select); coding-DNA position 458, C replaced by T.
Protein change: p.Ala153Val; replaces alanine 153 with valine.
Molecular consequence: missense variant.
Genome position (GRCh38, 1-based): chr7:94,623,330, G>A on the plus strand (C>T on the coding strand, the complement: SGCE is on the minus strand). VCF-style: chr7-94623330-G-A. GRCh37 (hg19) VCF-style: chr7-94252642-G-A.
Other names: c.458C>T, p.Ala153Val (NM_001099400.2, NM_001099401.2, NM_001346717.2); c.335C>T, p.Ala112Val (NM_001301139.2, NM_001362809.2); c.566C>T, p.Ala189Val (NM_001346713.2, NM_001346715.2); c.371C>T, p.Ala124Val (NM_001346719.2, NM_001362807.2); c.185C>T, p.Ala62Val (NM_001346720.2, NM_001362808.2); short protein forms A124V, A112V, A153V, A62V, A189V.
Identifiers: ClinVar variation 1354409 (VCV001354409.8), dbSNP rs1482958226, ClinGen allele CA368236597.